The following is an entry in ClinVar:

NM_020949.3(SLC7A14):c.2145G>C (p.Glu715Asp)

Gene: SLC7A14 (solute carrier family 7 member 14; minus strand). Cytogenetic location: 3q26.2.
Variant type: single nucleotide variant.
Coding change: c.2145G>C on transcript NM_020949.3 (MANE Select); coding-DNA position 2145, G replaced by C.
Protein change: p.Glu715Asp; replaces glutamic acid 715 with aspartic acid.
Molecular consequence: missense variant.
Genome position (GRCh38, 1-based): chr3:170,467,226, C>G on the plus strand (G>C on the coding strand, the complement: SLC7A14 is on the minus strand). VCF-style: chr3-170467226-C-G. GRCh37 (hg19) VCF-style: chr3-170185014-C-G.
Other names: short protein forms E715D.
Identifiers: ClinVar variation 1519592 (VCV001519592.8), dbSNP rs2108261738, ClinGen allele CA355483893.

ClinVar aggregate classification (germline): Uncertain significance (1 of 4 stars; one submission).

Submission:

Labcorp Genetics (formerly Invitae), Labcorp
Classification: Uncertain significance. Last evaluated: 2022-07-12. Review status: criteria provided, single submitter. Criteria: Invitae Variant Classification Sherloc (09022015). Collection method: clinical testing. Allele origin: germline.
Comment: This sequence change replaces glutamic acid, which is acidic and polar, with aspartic acid, which is acidic and polar, at codon 715 of the SLC7A14 protein (p.Glu715Asp). In summary, the available evidence is currently insufficient to determine the role of this variant in disease. Therefore, it has been classified as a Variant of Uncertain Significance. Algorithms developed to predict the effect of missense changes on protein structure and function (SIFT, PolyPhen-2, Align-GVGD) all suggest that this variant is likely to be tolerated. ClinVar contains an entry for this variant (Variation ID: 1519592). This variant has not been reported in the literature in individuals affected with SLC7A14-related conditions. This variant is not present in population databases (gnomAD no frequency).